The following is an entry in ClinVar:

NM_000052.7(ATP7A):c.2536G>A (p.Asp846Asn)

Gene: ATP7A (ATPase copper transporting alpha; plus strand). Cytogenetic location: Xq21.1.
Variant type: single nucleotide variant.
Coding change: c.2536G>A on transcript NM_000052.7 (MANE Select); coding-DNA position 2536, G replaced by A.
Protein change: p.Asp846Asn; replaces aspartic acid 846 with asparagine.
Molecular consequence: missense variant.
Genome position (GRCh38, 1-based): chrX:78,015,791, G>A. VCF-style: chrX-78015791-G-A. GRCh37 (hg19) VCF-style: chrX-77271288-G-A.
Other names: c.2302G>A, p.Asp768Asn (NM_001282224.2); short protein forms D768N, D846N.
Identifiers: ClinVar variation 3753807 (VCV003753807.2).
Genomic context (GRCh38, chrX:78,015,791, plus strand): 5'-TTTTTATGTTAACTTATATCCAGTGAAGAACAAGTGGATGTGGAACTTGTACAACGTGGA[G>A]ATATCATTAAAGTAGTTCCAGGAGGCAAATTTCCAGTGGATGGTCGTGTTATTGAAGGAC-3'
Protein context (NP_000043.4, residues 836-856): QVDVELVQRG[Asp846Asn]IIKVVPGGKF

ClinVar aggregate classification (germline): Uncertain significance (1 of 4 stars; one submission).

Conditions:
Menkes kinky-hair syndrome (MNK). Also called: Copper transport disease; Menkes Disease; Classic Menkes Disease. Identifiers: Orphanet 565, MedGen C0022716, MONDO:0010651, OMIM 309400.
X-linked distal spinal muscular atrophy type 3. Also called: ATP7A-Related Distal Motor Neuropathy; SPINAL MUSCULAR ATROPHY, DISTAL, X-LINKED RECESSIVE; NEURONOPATHY, DISTAL HEREDITARY MOTOR, X-LINKED; NEUROPATHY, DISTAL HEREDITARY MOTOR, X-LINKED. Identifiers: Orphanet 139557, MedGen C1845359, MONDO:0010338, OMIM 300489.
Cutis laxa, X-linked (OHS). Also called: EDS IX; Occipital horn syndrome. Identifiers: Orphanet 198, MedGen C0268353, MONDO:0010572, OMIM 304150.

Submission:

Labcorp Genetics (formerly Invitae), Labcorp
Classification: Uncertain significance for X-linked distal spinal muscular atrophy type 3; Cutis laxa, X-linked; Menkes kinky-hair syndrome. Last evaluated: 2024-10-21. Review status: criteria provided, single submitter. Criteria: Invitae Variant Classification Sherloc (09022015). Collection method: clinical testing. Allele origin: germline.
Comment: This sequence change replaces aspartic acid, which is acidic and polar, with asparagine, which is neutral and polar, at codon 846 of the ATP7A protein (p.Asp846Asn). This variant is not present in population databases (gnomAD no frequency). This variant has not been reported in the literature in individuals affected with ATP7A-related conditions. Invitae Evidence Modeling of protein sequence and biophysical properties (such as structural, functional, and spatial information, amino acid conservation, physicochemical variation, residue mobility, and thermodynamic stability) has been performed for this missense variant. However, the output from this modeling did not meet the statistical confidence thresholds required to predict the impact of this variant on ATP7A protein function. In summary, the available evidence is currently insufficient to determine the role of this variant in disease. Therefore, it has been classified as a Variant of Uncertain Significance.